The following is an entry in ClinVar:

NM_006958.3(ZNF16):c.376C>T (p.Leu126=)

Gene: ZNF16 (zinc finger protein 16; minus strand). Cytogenetic location: 8q24.3.
Variant type: single nucleotide variant.
Coding change: c.376C>T on transcript NM_006958.3 (MANE Select); coding-DNA position 376, C replaced by T.
Protein change: p.Leu126=; no amino-acid change (leucine 126 retained).
Molecular consequence: synonymous variant. On other transcripts: 5 prime UTR variant (1).
Genome position (GRCh38, 1-based): chr8:144,932,411, G>A on the plus strand (C>T on the coding strand, the complement: ZNF16 is on the minus strand). VCF-style: chr8-144932411-G-A. GRCh37 (hg19) VCF-style: chr8-146157797-G-A.
Other names: c.376C>T, p.Leu126= (NM_001029976.3, NM_001413564.1, NM_001413565.1 and 1 more transcripts); c.-45C>T (NM_001413567.1).
Identifiers: ClinVar variation 2659002 (VCV002659002.24), dbSNP rs781006272, ClinGen allele CA4954472.

ClinVar aggregate classification (germline): Likely benign (1 of 4 stars; one submission).

Allele frequency attached by ClinVar (database versions not stated): gnomAD 0.00001; gnomAD exomes 0.00002; ExAC 0.00006.

Submission:

CeGaT Center for Human Genetics Tuebingen
Classification: Likely benign. Last evaluated: 2023-04-01. Review status: criteria provided, single submitter. Criteria: CeGaT Center For Human Genetics Tuebingen Variant Classification Criteria Version 2. Collection method: clinical testing. Allele origin: germline. Affected: yes. Observed: 1 variant allele.
Comment: ZNF16: BP4, BP7